The following is an entry in ClinVar:

ClinVar aggregate classification (germline): Uncertain significance (1 of 4 stars; one submission).

Conditions:
Parkinsonian-pyramidal syndrome. Also called: PARKINSON DISEASE 15, AUTOSOMAL RECESSIVE; PARKINSON DISEASE 15, AUTOSOMAL RECESSIVE EARLY-ONSET; PALLIDOPYRAMIDAL SYNDROME. Identifiers: Orphanet 171695, MedGen C1850100, MONDO:0009830, OMIM 260300.

Allele frequency attached by ClinVar (database versions not stated): TOPMed below 0.00001.
gnomAD v4.1: 1 of 1,614,148 alleles (0.000062%); highest among the groups gnomAD compares: Non-Finnish European, 0.000085%; no homozygotes.

Submission:

Labcorp Genetics (formerly Invitae), Labcorp
Classification: Uncertain significance for Parkinsonian-pyramidal syndrome. Last evaluated: 2022-02-24. Review status: criteria provided, single submitter. Criteria: Invitae Variant Classification Sherloc (09022015). Collection method: clinical testing. Allele origin: germline.
Comment: This variant is not present in population databases (gnomAD no frequency). In summary, the available evidence is currently insufficient to determine the role of this variant in disease. Therefore, it has been classified as a Variant of Uncertain Significance. Algorithms developed to predict the effect of missense changes on protein structure and function are either unavailable or do not agree on the potential impact of this missense change (SIFT: "Deleterious"; PolyPhen-2: "Benign"; Align-GVGD: "Class C0"). This variant has not been reported in the literature in individuals affected with FBXO7-related conditions. This sequence change replaces threonine, which is neutral and polar, with asparagine, which is neutral and polar, at codon 62 of the FBXO7 protein (p.Thr62Asn).

NM_012179.4(FBXO7):c.185C>A (p.Thr62Asn)

Gene: FBXO7 (F-box protein 7; plus strand). Cytogenetic location: 22q12.3.
Variant type: single nucleotide variant.
Coding change: c.185C>A on transcript NM_012179.4 (MANE Select); coding-DNA position 185, C replaced by A.
Protein change: p.Thr62Asn; replaces threonine 62 with asparagine.
Molecular consequence: missense variant. On other transcripts: 5 prime UTR variant (1), intron variant (1).
Genome position (GRCh38, 1-based): chr22:32,479,043, C>A. VCF-style: chr22-32479043-C-A. GRCh37 (hg19) VCF-style: chr22-32875030-C-A.
Other names: c.-158C>A (NM_001257990.2); c.38-90C>A (NM_001033024.2); short protein forms T62N.
Identifiers: ClinVar variation 1970594 (VCV001970594.5), dbSNP rs2057446436, ClinGen allele CA411330257.